The following is an entry in ClinVar:

NM_000271.5(NPC1):c.1327-2dup

Gene: NPC1 (NPC intracellular cholesterol transporter 1; minus strand). Cytogenetic location: 18q11.2.
Variant type: Duplication.
Coding change: c.1327-2dup on transcript NM_000271.5 (MANE Select); the canonical splice acceptor site of the intron before coding-DNA position 1327, one base duplicated (A; older notation c.1327-2dupA).
Molecular consequence: splice acceptor variant.
Genome position (GRCh38, 1-based): chr18:23,554,986, T duplicated on the plus strand (A on the coding strand, the reverse complement: NPC1 is on the minus strand). VCF-style (leftmost placement, unchanged base first): chr18-23554985-C-CT. GRCh37 (hg19) VCF-style: chr18-21134949-C-CT.
Other names: c.1327-2dupA (NM_000271.4).
Identifiers: ClinVar variation 551271 (VCV000551271.7), dbSNP rs1555636712, ClinGen allele CA658823790.
Genomic context (GRCh38, chr18:23,554,985, plus strand): 5'-CACAGTCTCATTGTCATAAGAGGCAGTAATGTTTTCGATGGCTATTTGTAAGTCAAGAAC[C>CT]TGAAAGAAGATTTTAAAAATAAGCAAACCCAGAAACACGTCACATTTCTCTCAGATCTTG-3'

ClinVar aggregate classification (germline): Likely pathogenic. Review status: criteria provided, single submitter (1 of 4 stars). 2 submissions from 2 submitters: Likely pathogenic (1). 1 of the submissions does not count toward it. Last evaluated 2021-08-12.

Conditions:
Niemann-Pick disease, type C1. Also called: NEUROVISCERAL STORAGE DISEASE WITH VERTICAL SUPRANUCLEAR OPHTHALMOPLEGIA; NIEMANN-PICK DISEASE WITH CHOLESTEROL ESTERIFICATION BLOCK; NIEMANN-PICK DISEASE WITHOUT SPHINGOMYELINASE DEFICIENCY; NIEMANN-PICK DISEASE, CHRONIC NEURONOPATHIC FORM; NIEMANN-PICK DISEASE, VARIANT TYPE C1. Identifiers: Orphanet 646, MedGen C3179455, MONDO:0009757, OMIM 257220.

Allele frequency attached by ClinVar (database versions not stated): gnomAD exomes 0.00001.

Submissions (2):

Labcorp Genetics (formerly Invitae), Labcorp
Classification: Likely pathogenic for Niemann-Pick disease, type C1. Last evaluated: 2021-08-12. Review status: criteria provided, single submitter. Criteria: Invitae Variant Classification Sherloc (09022015). Collection method: clinical testing. Allele origin: germline.
Comment: This sequence change affects a splice site in intron 8 of the NPC1 gene. It is expected to disrupt RNA splicing. Variants that disrupt the donor or acceptor splice site typically lead to a loss of protein function (PMID: 16199547), and loss-of-function variants in NPC1 are known to be pathogenic (PMID: 9211850). This variant is not present in population databases (ExAC no frequency). This variant has not been reported in the literature in individuals affected with NPC1-related conditions. ClinVar contains an entry for this variant (Variation ID: 551271). Algorithms developed to predict the effect of sequence changes on RNA splicing suggest that this variant may disrupt the consensus splice site. In summary, the currently available evidence indicates that the variant is pathogenic, but additional data are needed to prove that conclusively. Therefore, this variant has been classified as Likely Pathogenic.

Counsyl
Classification: Uncertain significance for Niemann-Pick disease, type C1. Last evaluated: 2017-03-28. Review status: no assertion criteria provided. Collection method: clinical testing. Allele origin: unknown. Not counted in ClinVar's aggregate classification.

Literature cited by the submitters: PubMed 16199547 (cited by Labcorp Genetics (formerly Invitae), Labcorp); PubMed 9211850 (cited by Labcorp Genetics (formerly Invitae), Labcorp).